The following is an entry in ClinVar:

ClinVar aggregate classification (germline): Conflicting classifications of pathogenicity. Review status: criteria provided, conflicting classifications (1 of 4 stars). 3 submissions from 3 submitters: Uncertain significance (1); Likely benign (2). Last evaluated 2025-10-05.

Conditions:
Juvenile polyposis syndrome (JPS). Identifiers: Orphanet 2929, MedGen C0345893, MONDO:0017380, OMIM 174900.
Hereditary cancer-predisposing syndrome. Also called: Hereditary neoplastic syndrome; Neoplastic Syndromes, Hereditary; Tumor predisposition; Hereditary Cancer Syndrome. Identifiers: Orphanet 140162, MedGen C0027672, MeSH D009386, MONDO:0015356.
Juvenile polyposis/hereditary hemorrhagic telangiectasia syndrome (JPHT). Also called: Juvenile Polyposis Syndrome / Hereditary Hemorrhagic Telangiectasia (JPS/HHT); JP/HHT SYNDROME; JUVENILE POLYPOSIS WITH HEREDITARY HEMORRHAGIC TELANGIECTASIA; POLYPOSIS, GENERALIZED JUVENILE, WITH PULMONARY ARTERIOVENOUS MALFORMATION; TELANGIECTASIA, HEREDITARY HEMORRHAGIC, WITH JUVENILE POLYPOSIS COLI. Identifiers: Orphanet 2929, MedGen C1832942, MONDO:0008278, OMIM 175050.

Allele frequency attached by ClinVar (database versions not stated): ExAC 0.00001; gnomAD exomes 0.00001 and below 0.00001.

Submissions (3):

Labcorp Genetics (formerly Invitae), Labcorp
Classification: Likely benign for Juvenile polyposis syndrome. Last evaluated: 2025-10-05. Review status: criteria provided, single submitter. Criteria: Invitae Variant Classification Sherloc (09022015). Collection method: clinical testing. Allele origin: germline.

Myriad Genetics, Inc.
Classification: Likely benign for Juvenile polyposis/hereditary hemorrhagic telangiectasia syndrome. Last evaluated: 2025-03-19. Review status: criteria provided, single submitter. Criteria: Myriad Autosomal Dominant, Autosomal Recessive and X-Linked Classification Criteria (2023). Collection method: clinical testing. Allele origin: unknown.
Comment: This variant is considered likely benign. This variant is intronic and is not expected to impact mRNA splicing.

Color Diagnostics, LLC DBA Color Health
Classification: Uncertain significance for Hereditary cancer-predisposing syndrome. Last evaluated: 2019-04-24. Review status: criteria provided, single submitter. Criteria: ACMG Guidelines, 2015. Collection method: clinical testing. Allele origin: germline.

NM_005359.6(SMAD4):c.454+7A>C

Gene: SMAD4 (SMAD family member 4; plus strand). Cytogenetic location: 18q21.2.
Variant type: single nucleotide variant.
Coding change: c.454+7A>C on transcript NM_005359.6 (MANE Select); 7 bases into the intron after coding-DNA position 454, A replaced by C.
Molecular consequence: intron variant.
Genome position (GRCh38, 1-based): chr18:51,049,331, A>C. VCF-style: chr18-51049331-A-C. GRCh37 (hg19) VCF-style: chr18-48575701-A-C.
Identifiers: ClinVar variation 630391 (VCV000630391.13), dbSNP rs755891338, ClinGen allele CA8965792.
Genomic context (GRCh38, chr18:51,049,331, plus strand): 5'-TGTTTTCCCCTTTAAACAATTAAGATCTCTCAGGATTAACACTGCAGAGTAATGGTAGGT[A>C]ATCTGTTTCTTACTACTTTCTCTTTGTTTTGTCCTATCCTCTCTGTTTTTTTGTTGACCT-3'